The following is an entry in ClinVar:

ClinVar aggregate classification (germline): Uncertain significance (1 of 4 stars; one submission).

gnomAD v4.1: 2 of 1,614,146 alleles (0.00012%); highest among the groups gnomAD compares: Non-Finnish European, 0.00017%; no homozygotes.

Submission:

Labcorp Genetics (formerly Invitae), Labcorp
Classification: Uncertain significance. Last evaluated: 2025-04-14. Review status: criteria provided, single submitter. Criteria: Invitae Variant Classification Sherloc (09022015). Collection method: clinical testing. Allele origin: germline.
Comment: This sequence change replaces glutamic acid, which is acidic and polar, with aspartic acid, which is acidic and polar, at codon 1115 of the FLNB protein (p.Glu1115Asp). This variant is present in population databases (no rsID available, gnomAD 0.0009%). This variant has not been reported in the literature in individuals affected with FLNB-related conditions. Invitae Evidence Modeling of protein sequence and biophysical properties (such as structural, functional, and spatial information, amino acid conservation, physicochemical variation, residue mobility, and thermodynamic stability) indicates that this missense variant is not expected to disrupt FLNB protein function with a negative predictive value of 95%. In summary, the available evidence is currently insufficient to determine the role of this variant in disease. Therefore, it has been classified as a Variant of Uncertain Significance.

NM_001457.4(FLNB):c.3345A>C (p.Glu1115Asp)

Gene: FLNB (filamin B; plus strand). Cytogenetic location: 3p14.3.
Variant type: single nucleotide variant.
Coding change: c.3345A>C on transcript NM_001457.4 (MANE Select); coding-DNA position 3345, A replaced by C.
Protein change: p.Glu1115Asp; replaces glutamic acid 1115 with aspartic acid.
Molecular consequence: missense variant.
Genome position (GRCh38, 1-based): chr3:58,123,311, A>C. VCF-style: chr3-58123311-A-C. GRCh37 (hg19) VCF-style: chr3-58109038-A-C.
Other names: c.3345A>C, p.Glu1115Asp (NM_001164317.2, NM_001164318.2, NM_001164319.2); short protein forms E1115D.
Identifiers: ClinVar variation 4801704 (VCV004801704.1).